The following is an entry in ClinVar:

ClinVar aggregate classification (germline): Uncertain significance (1 of 4 stars; one submission).

Conditions:
TBX20-related disorder. Also called: TBX20-related condition.

Submission:

PreventionGenetics, part of Exact Sciences
Classification: Uncertain significance for TBX20-related condition. Last evaluated: 2026-01-07. Review status: criteria provided, single submitter. Criteria: ACMG Guidelines, 2015. Collection method: clinical testing. Allele origin: germline.
Comment: The TBX20 c.48C>G variant is predicted to result in the amino acid substitution p.Asn16Lys. To our knowledge, this variant has not been reported in the literature or in a large population database (gnomAD), indicating this variant is rare. At this time, the clinical significance of this variant is uncertain due to the absence of conclusive functional and genetic evidence.

NM_001077653.2(TBX20):c.48C>G (p.Asn16Lys)

Gene: TBX20 (T-box transcription factor 20; minus strand). Cytogenetic location: 7p14.2.
Variant type: single nucleotide variant.
Coding change: c.48C>G on transcript NM_001077653.2 (MANE Select); coding-DNA position 48, C replaced by G.
Protein change: p.Asn16Lys; replaces asparagine 16 with lysine.
Molecular consequence: missense variant.
Genome position (GRCh38, 1-based): chr7:35,253,573, G>C on the plus strand (C>G on the coding strand, the complement: TBX20 is on the minus strand). VCF-style: chr7-35253573-G-C. GRCh37 (hg19) VCF-style: chr7-35293184-G-C.
Other names: c.48C>G, p.Asn16Lys (NM_001166220.1); short protein forms N16K.
Identifiers: ClinVar variation 4996303 (VCV004996303.1).